The following is an entry in ClinVar:

ClinVar aggregate classification (germline): Uncertain significance. Review status: criteria provided, multiple submitters, no conflicts (2 of 4 stars). 2 submissions from 2 submitters: Uncertain significance (2). Last evaluated 2025-09-17.

Conditions:
Hereditary cancer-predisposing syndrome. Also called: Tumor predisposition; Hereditary neoplastic syndrome; Hereditary Cancer Syndrome; Neoplastic Syndromes, Hereditary. Identifiers: Orphanet 140162, MedGen C0027672, MeSH D009386, MONDO:0015356.
Bloom syndrome (BLM). Also called: Bloom-Torre-Machacek syndrome. Identifiers: Orphanet 125, MedGen C0005859, MONDO:0008876, OMIM 210900.

Allele frequency attached by ClinVar (database versions not stated): gnomAD exomes below 0.00001.
gnomAD v4.1: 1 of 1,612,754 alleles (0.000062%); highest among the groups gnomAD compares: Non-Finnish European, 0.000085%; no homozygotes.

Submissions (2):

Ambry Genetics
Classification: Uncertain significance for Hereditary cancer-predisposing syndrome. Last evaluated: 2025-09-17. Review status: criteria provided, single submitter. Criteria: Ambry Variant Classification Scheme 2023. Collection method: clinical testing. Allele origin: germline.
Comment: The p.I1100L variant (also known as c.3298A>C), located in coding exon 16 of the BLM gene, results from an A to C substitution at nucleotide position 3298. The isoleucine at codon 1100 is replaced by leucine, an amino acid with highly similar properties. This amino acid position is conserved. In addition, this alteration is predicted to be tolerated by in silico analysis. Based on the available evidence, the clinical significance of this variant remains unclear.

Labcorp Genetics (formerly Invitae), Labcorp
Classification: Uncertain significance for Bloom syndrome. Last evaluated: 2019-08-29. Review status: criteria provided, single submitter. Criteria: Invitae Variant Classification Sherloc (09022015). Collection method: clinical testing. Allele origin: germline.
Comment: This sequence change replaces isoleucine with leucine at codon 1100 of the BLM protein (p.Ile1100Leu). The isoleucine residue is weakly conserved and there is a small physicochemical difference between isoleucine and leucine. This variant is not present in population databases (ExAC no frequency). This variant has not been reported in the literature in individuals with BLM-related conditions. Algorithms developed to predict the effect of missense changes on protein structure and function (SIFT, PolyPhen-2, Align-GVGD) all suggest that this variant is likely to be tolerated, but these predictions have not been confirmed by published functional studies and their clinical significance is uncertain. In summary, the available evidence is currently insufficient to determine the role of this variant in disease. Therefore, it has been classified as a Variant of Uncertain Significance.

NM_000057.4(BLM):c.3298A>C (p.Ile1100Leu)

Gene: BLM (BLM RecQ like helicase; plus strand). Cytogenetic location: 15q26.1.
Variant type: single nucleotide variant.
Coding change: c.3298A>C on transcript NM_000057.4 (MANE Select); coding-DNA position 3298, A replaced by C.
Protein change: p.Ile1100Leu; replaces isoleucine 1100 with leucine.
Molecular consequence: missense variant.
Genome position (GRCh38, 1-based): chr15:90,798,277, A>C. VCF-style: chr15-90798277-A-C. GRCh37 (hg19) VCF-style: chr15-91341507-A-C.
Other names: c.3298A>C (NM_000057.2); c.3298A>C, p.Ile1100Leu (NM_001287246.2, NM_001287247.2); c.2173A>C, p.Ile725Leu (NM_001287248.2); short protein forms I1100L, I725L.
Identifiers: ClinVar variation 936870 (VCV000936870.11), dbSNP rs1897079693, ClinGen allele CA393847287.